The following is an entry in ClinVar:

NM_080552.3(SLC32A1):c.1237G>T (p.Gly413Cys)

Gene: SLC32A1 (solute carrier family 32 member 1; plus strand). Cytogenetic location: 20q11.23.
Variant type: single nucleotide variant.
Coding change: c.1237G>T on transcript NM_080552.3 (MANE Select); coding-DNA position 1237, G replaced by T.
Protein change: p.Gly413Cys; replaces glycine 413 with cysteine.
Molecular consequence: missense variant.
Genome position (GRCh38, 1-based): chr20:38,728,298, G>T. VCF-style: chr20-38728298-G-T. GRCh37 (hg19) VCF-style: chr20-37356941-G-T.
Other names: short protein forms G413C.
Identifiers: ClinVar variation 3239224 (VCV003239224.19), dbSNP rs6100927.

ClinVar aggregate classification (germline): Uncertain significance (1 of 4 stars; one submission).

Allele frequency attached by ClinVar (database versions not stated): gnomAD exomes 0.00001.
gnomAD v4.1: 4 of 1,613,634 alleles (0.00025%); highest among the groups gnomAD compares: Non-Finnish European, 0.00034%; no homozygotes.

Submission:

CeGaT Center for Human Genetics Tuebingen
Classification: Uncertain significance. Last evaluated: 2024-05-01. Review status: criteria provided, single submitter. Criteria: CeGaT Center For Human Genetics Tuebingen Variant Classification Criteria Version 2. Collection method: clinical testing. Allele origin: germline. Affected: yes. Observed: 1 variant allele.
Comment: SLC32A1: PM2